The following is an entry in ClinVar:

NM_004519.4(KCNQ3):c.616C>T (p.Leu206=)

Gene: KCNQ3 (potassium voltage-gated channel subfamily Q member 3; minus strand). Cytogenetic location: 8q24.22.
Variant type: single nucleotide variant.
Coding change: c.616C>T on transcript NM_004519.4 (MANE Select); coding-DNA position 616, C replaced by T.
Protein change: p.Leu206=; no amino-acid change (leucine 206 retained).
Molecular consequence: synonymous variant.
Genome position (GRCh38, 1-based): chr8:132,180,318, G>A on the plus strand (C>T on the coding strand, the complement: KCNQ3 is on the minus strand). VCF-style: chr8-132180318-G-A. GRCh37 (hg19) VCF-style: chr8-133192565-G-A.
Other names: c.256C>T, p.Leu86= (NM_001204824.2).
Identifiers: ClinVar variation 909733 (VCV000909733.9), dbSNP rs770952684, ClinGen allele CA4880871.
Genomic context (GRCh38, chr8:132,180,318, plus strand): 5'-GGGAGGTGGCCAGAACATTGCCTTGGTTTCCCACAGCAACCACTGGCACAGAGGCAATCA[G>A]CACAAAGATGTCTGGGAGAGAGGACAGACAGAGTGGGAGGGAAGAGGGAAAGGAAGGTCA-3'
Protein context (NP_004510.1, residues 196-216): KPLCMLDIFV[Leu206=]IASVPVVAVG

ClinVar aggregate classification (germline): Likely benign. Review status: criteria provided, multiple submitters, no conflicts (2 of 4 stars). 3 submissions from 3 submitters: Likely benign (3). Last evaluated 2023-03-20.

Conditions:
Benign neonatal seizures. Also called: Benign neonatal familial convulsions; Benign familial neonatal seizures; Convulsions benign familial neonatal dominant form; Autosomal dominant form of benign neonatal seizures; Benign familial neonatal epilepsy. Identifiers: Orphanet 1949, MedGen C0220669, MONDO:0016027.
Inborn genetic diseases. Identifiers: MedGen C0950123, MeSH D030342.
Seizures, benign familial neonatal, 2. Also called: Benign Neonatal Epilepsy 2; CONVULSIONS, BENIGN FAMILIAL NEONATAL, 2; KCNQ3-Related Benign Familial Neonatal Epilepsy; KCNQ3-Related Self-Limited Familial Neonatal Epilepsy (SLFNE); Seizures, benign neonatal, 2. Identifiers: Orphanet 1949, MedGen C1852581, MONDO:0007366, OMIM 121201.

Allele frequency attached by ClinVar (database versions not stated): gnomAD 0.00001; gnomAD exomes 0.00004 and 0.00002; ExAC 0.00007; TOPMed 0.00001.
gnomAD v4.1: 25 of 1,613,940 alleles (0.0015%); highest among the groups gnomAD compares: Non-Finnish European, 0.002%; no homozygotes.

Submissions (3):

Labcorp Genetics (formerly Invitae), Labcorp
Classification: Likely benign for Benign neonatal seizures. Last evaluated: 2023-03-20. Review status: criteria provided, single submitter. Criteria: Invitae Variant Classification Sherloc (09022015). Collection method: clinical testing. Allele origin: germline.

Ambry Genetics
Classification: Likely benign for Inborn genetic diseases. Last evaluated: 2018-11-28. Review status: criteria provided, single submitter. Criteria: Ambry Variant Classification Scheme 2023. Collection method: clinical testing. Allele origin: germline.

Illumina Laboratory Services, Illumina
Classification: Likely benign for Seizures, benign familial neonatal, 2. Last evaluated: 2018-01-12. Review status: criteria provided, single submitter. Criteria: ICSL Variant Classification Criteria 13 December 2019. Collection method: clinical testing. Allele origin: germline.
Comment: This variant was observed in the ICSL laboratory as part of a predisposition screen in an ostensibly healthy population. It had not been previously curated by ICSL or reported in the Human Gene Mutation Database (HGMD: prior to June 1st, 2018), and was therefore a candidate for classification through an automated scoring system. Utilizing variant allele frequency, disease prevalence and penetrance estimates, and inheritance mode, an automated score was calculated to assess if this variant is too frequent to cause the disease. Based on the score and internal cut-off values, a variant classified as likely benign is not then subjected to further curation. The score for this variant resulted in a classification of likely benign for this disease.